The following is an entry in ClinVar:

ClinVar aggregate classification (germline): Pathogenic (1 of 4 stars; one submission).

Conditions:
Long chain 3-hydroxyacyl-CoA dehydrogenase deficiency. Also called: Deficiency of long-chain 3-hydroxyacyl-coenzyme A dehydrogenase; LCHAD Deficiency. Identifiers: Orphanet 5, MedGen C3711645, MONDO:0012173, OMIM 609016.

Submission:

Myriad Genetics, Inc.
Classification: Pathogenic for Long chain 3-hydroxyacyl-CoA dehydrogenase deficiency. Last evaluated: 2023-09-27. Review status: criteria provided, single submitter. Criteria: Myriad Autosomal Dominant, Autosomal Recessive and X-Linked Classification Criteria (2023). Collection method: clinical testing. Allele origin: unknown.
Comment: NM_000182.4(HADHA):c.703dupC(R235Pfs*19) is expected to be pathogenic in the context of HADHA-related disorders. This variant is predicted to lead to an abnormal or absent protein product due to the creation of a premature termination codon in HADHA, a gene where loss-of-function variants are known to be pathogenic. Please note: this variant was assessed in the context of healthy population screening.

NM_000182.5(HADHA):c.703dup (p.Arg235fs)

Gene: HADHA (hydroxyacyl-CoA dehydrogenase trifunctional multienzyme complex subunit alpha; minus strand). Cytogenetic location: 2p23.3.
Variant type: Duplication.
Coding change: c.703dup on transcript NM_000182.5 (MANE Select); coding-DNA position 703, one base duplicated (C; older notation c.703dupC).
Protein change: p.Arg235fs; shifts the reading frame from arginine 235.
Molecular consequence: frameshift variant.
Genome position (GRCh38, 1-based): chr2:26,215,149, G duplicated on the plus strand (C on the coding strand, the reverse complement: HADHA is on the minus strand). VCF-style (leftmost placement, unchanged base first): chr2-26215148-C-CG. GRCh37 (hg19) VCF-style: chr2-26438017-C-CG.
Other names: short protein forms R235fs.
Identifiers: ClinVar variation 5011978 (VCV005011978.1).